The following is an entry in ClinVar:

ClinVar aggregate classification (germline): Conflicting classifications of pathogenicity. Review status: criteria provided, conflicting classifications (1 of 4 stars). 3 submissions from 3 submitters: Likely pathogenic (2); Uncertain significance (1). Last evaluated 2025-05-02.

Conditions:
Congenital bilateral perisylvian syndrome. Also called: Perisylvian syndrome; Bilateral perisylvian polymicrogyria. Identifiers: Orphanet 98889, MedGen C1845668, MONDO:0020340, HP:0032407.
Congenital fibrosis of extraocular muscles. Also called: Congenital Fibrosis of the Extraocular Muscles. Identifiers: Orphanet 45358, MedGen C1302995, MONDO:0007614, HP:0001491.

Submissions (3):

GeneDx
Classification: Likely pathogenic. Last evaluated: 2025-05-02. Review status: criteria provided, single submitter. Criteria: GeneDx Variant Classification Process June 2021. Collection method: clinical testing. Allele origin: germline. Affected: yes.
Comment: Not observed at significant frequency in large population cohorts (gnomAD); In silico analysis supports that this missense variant has a deleterious effect on protein structure/function; This variant is associated with the following publications: (PMID: 33649541)

Women's Health and Genetics/Laboratory Corporation of America, LabCorp
Classification: Uncertain significance. Last evaluated: 2023-05-28. Review status: criteria provided, single submitter. Criteria: LabCorp Variant Classification Summary - May 2015. Collection method: clinical testing. Allele origin: germline.
Comment: Variant summary: TUBA1A c.1193T>G (p.Met398Arg) results in a non-conservative amino acid change located in the C-terminal domain (Jurgens_2021) of the encoded protein sequence. This variant localizes to the longitudinal interface at which alpha and beta tubulins heterodimerize. Five of five in-silico tools predict a damaging effect of the variant on protein function. The variant was absent in 251494 control chromosomes. The available data on variant occurrences in the general population are insufficient to allow any conclusion about variant significance. c.1193T>G has been reported in the literature in at-least one individual affected with features of congenital fibrosis of the extraocular muscles (CFEOM) and neurodevelopmental disability (example, Jurgens_2021). As this individual was adopted and family history details were unavailable, the pattern of inheritance could not be confirmed. To our knowledge, no experimental evidence demonstrating an impact on protein function has been reported. The following publication has been ascertained in the context of this evaluation (PMID: 33649541). One clinical diagnostic laboratory has submitted clinical-significance assessments for this variant to ClinVar after 2014 and classified the variant as likely pathogenic. This submitter is likely the same as the published report captured above. Based on the evidence outlined above, the variant was classified as VUS-possibly pathogenic.

Engle Laboratory, Boston Children's Hospital
Classification: Likely pathogenic for Congenital fibrosis of extraocular muscles; Congenital bilateral perisylvian syndrome. Last evaluated: 2020-11-25. Review status: criteria provided, single submitter. Criteria: ACMG Guidelines, 2015. Collection method: research. Allele origin: unknown. Affected: yes. Observed: 1 variant allele, 1 heterozygote.
Comment: We have classified this variant using ACMG criteria (Richards et al., 2015) in November of 2020. These criteria are not applicable for novel gene identification and have limited utility for significant novel phenotype expansion. Classification is provided for established TUBA1A-associated tubulinopathy phenotypes, but excludes novel phenotypes that have been observed in the proband with this variant but are not yet well established in association with TUBA1A variants, e.g. congenital fibrosis of the extraocular muscles. We have thus classified the p.(Met398Arg) variant as likely pathogenic for classic tubulinopathy phenotypes based on the following evidence: 1) The p.(Met398Arg) variant is a non-truncating nonsynonymous variant in a residue located within the Tubulin/FtsZ, C-terminal domain, in the Î± helix H11 of TUBA1A on the MT surface. This is a functionally important region which is depleted of benign missense variants and which contains other residues associated with tubulinopathies (PM1_Moderate). 2) The p.(Met398Arg) variant has not been reported in the gnomAD database (PM2_Moderate). 3) The TUBA1A gene is lacking in missense benign variants, and missense TUBA1A variants are a common mechanism of disease. The gene is heavily missense constrained (PP2_Supporting). 4) The amino acid is highly conserved (high PhyloP score) and the p.(Met398Arg) variant is predicted by multiple in silico models (e.g. CADD score) to have a deleterious effect on protein function (PP3_Supporting).

Literature cited by the submitters: PubMed 33649541 (cited by Women's Health and Genetics/Laboratory Corporation of America, LabCorp).

NM_006009.4(TUBA1A):c.1193T>G (p.Met398Arg)

Gene: TUBA1A (tubulin alpha 1a; minus strand). Cytogenetic location: 12q13.12.
Variant type: single nucleotide variant.
Coding change: c.1193T>G on transcript NM_006009.4 (MANE Select); coding-DNA position 1193, T replaced by G.
Protein change: p.Met398Arg; replaces methionine 398 with arginine.
Molecular consequence: missense variant.
Genome position (GRCh38, 1-based): chr12:49,185,173, A>C on the plus strand (T>G on the coding strand, the complement: TUBA1A is on the minus strand). VCF-style: chr12-49185173-A-C. GRCh37 (hg19) VCF-style: chr12-49578956-A-C.
Other names: c.1193T>G, p.Met398Arg (NM_001270399.2); c.1088T>G, p.Met363Arg (NM_001270400.2); c.1193T>G (NM_006009.3, NM_006009.2); short protein forms M363R, M398R.
Identifiers: ClinVar variation 988580 (VCV000988580.3), dbSNP rs1942164218, ClinGen allele CA384634818.